The following is an entry in ClinVar:

NM_015114.3(ANKLE2):c.*117G>A

Gene: ANKLE2 (ankyrin repeat and LEM domain containing 2; minus strand). Cytogenetic location: 12q24.33.
Variant type: single nucleotide variant.
Coding change: c.*117G>A on transcript NM_015114.3 (MANE Select); 117 bases downstream of the stop codon, G replaced by A.
Molecular consequence: 3 prime UTR variant.
Genome position (GRCh38, 1-based): chr12:132,727,125, C>T on the plus strand (G>A on the coding strand, the complement: ANKLE2 is on the minus strand). VCF-style: chr12-132727125-C-T. GRCh37 (hg19) VCF-style: chr12-133303711-C-T.
Identifiers: ClinVar variation 2507210 (VCV002507210.1), dbSNP rs116205417, ClinGen allele CA246336400.

ClinVar aggregate classification (germline): Likely benign (1 of 4 stars; one submission).

Allele frequency attached by ClinVar (database versions not stated): gnomAD 0.00342; 1000 Genomes Project 30x 0.00344; 1000 Genomes Project 0.00379; TOPMed 0.00394.
gnomAD v4.1: 894 of 1,104,386 alleles (0.081%); highest among the groups gnomAD compares: African/African-American, 1.2%; 7 homozygotes.

Submission:

GeneDx
Classification: Likely benign. Last evaluated: 2019-10-31. Review status: criteria provided, single submitter. Criteria: GeneDx Variant Classification Process June 2021. Collection method: clinical testing. Allele origin: germline. Affected: yes.
Comment: See Variant Classification Assertion Criteria.